The following is an entry in ClinVar:

NM_001099922.3(ALG13):c.3383C>T (p.Pro1128Leu)

Gene: ALG13 (ALG13 UDP-N-acetylglucosaminyltransferase subunit; plus strand). Cytogenetic location: Xq23.
Variant type: single nucleotide variant.
Coding change: c.3383C>T on transcript NM_001099922.3 (MANE Select); coding-DNA position 3383, C replaced by T.
Protein change: p.Pro1128Leu; replaces proline 1128 with leucine.
Molecular consequence: missense variant. On other transcripts: non-coding transcript variant (1).
Genome position (GRCh38, 1-based): chrX:111,759,968, C>T. VCF-style: chrX-111759968-C-T. GRCh37 (hg19) VCF-style: chrX-111003196-C-T.
Other names: c.3149C>T, p.Pro1050Leu (NM_001257231.2); c.2834C>T, p.Pro945Leu (NM_001257234.2, NM_001257237.2, NM_001257230.2); c.3146C>T, p.Pro1049Leu (NM_001324292.2); c.2660C>T, p.Pro887Leu (NM_001324293.1); short protein forms P1049L, P1050L, P1128L, P887L, P945L.
Identifiers: ClinVar variation 4874694 (VCV004874694.2).

ClinVar aggregate classification (germline): Uncertain significance (1 of 4 stars; one submission).

Submission:

CeGaT Center for Human Genetics Tuebingen
Classification: Uncertain significance. Last evaluated: 2026-04-01. Review status: criteria provided, single submitter. Criteria: CeGaT Center For Human Genetics Tuebingen Variant Classification Criteria Version 2. Collection method: clinical testing. Allele origin: germline. Affected: yes. Observed: 1 variant allele.
Comment: ALG13: PM2, BP4